The following is an entry in ClinVar:

ClinVar aggregate classification (germline): Uncertain significance (1 of 4 stars; one submission).

Submission:

Ambry Genetics
Classification: Uncertain significance. Last evaluated: 2025-08-08. Review status: criteria provided, single submitter. Criteria: Ambry Variant Classification Scheme 2023. Collection method: clinical testing. Allele origin: germline.
Comment: The p.R1407M variant (also known as c.4220G>T), located in coding exon 14 of the CDK12 gene, results from a G to T substitution at nucleotide position 4220. The arginine at codon 1407 is replaced by methionine, an amino acid with similar properties. This amino acid position is conserved. In addition, the in silico prediction for this alteration is inconclusive. Based on the available evidence, the clinical significance of this variant remains unclear.

NM_016507.4(CDK12):c.4220G>T (p.Arg1407Met)

Gene: CDK12 (cyclin dependent kinase 12; plus strand). Cytogenetic location: 17q12.
Variant type: single nucleotide variant.
Coding change: c.4220G>T on transcript NM_016507.4 (MANE Select); coding-DNA position 4220, G replaced by T.
Protein change: p.Arg1407Met; replaces arginine 1407 with methionine.
Molecular consequence: missense variant.
Genome position (GRCh38, 1-based): chr17:39,531,063, G>T. VCF-style: chr17-39531063-G-T. GRCh37 (hg19) VCF-style: chr17-37687316-G-T.
Other names: c.4193G>T, p.Arg1398Met (NM_015083.4); short protein forms R1407M, R1398M.
Identifiers: ClinVar variation 4224362 (VCV004224362.1).